The following is an entry in ClinVar:

ClinVar aggregate classification (germline): Uncertain significance (1 of 4 stars; one submission).

gnomAD v4.1: 3 of 1,609,914 alleles (0.00019%); highest among the groups gnomAD compares: Admixed American, 0.0017%; no homozygotes.

Submission:

Labcorp Genetics (formerly Invitae), Labcorp
Classification: Uncertain significance. Last evaluated: 2024-10-29. Review status: criteria provided, single submitter. Criteria: Invitae Variant Classification Sherloc (09022015). Collection method: clinical testing. Allele origin: germline.
Comment: This sequence change replaces methionine, which is neutral and non-polar, with leucine, which is neutral and non-polar, at codon 631 of the CLCN7 protein (p.Met631Leu). This variant is present in population databases (no rsID available, gnomAD 0.003%). This variant has not been reported in the literature in individuals affected with CLCN7-related conditions. Invitae Evidence Modeling of protein sequence and biophysical properties (such as structural, functional, and spatial information, amino acid conservation, physicochemical variation, residue mobility, and thermodynamic stability) indicates that this missense variant is not expected to disrupt CLCN7 protein function with a negative predictive value of 95%. In summary, the available evidence is currently insufficient to determine the role of this variant in disease. Therefore, it has been classified as a Variant of Uncertain Significance.

NM_001287.6(CLCN7):c.1891A>T (p.Met631Leu)

Gene: CLCN7 (chloride voltage-gated channel 7; minus strand). Cytogenetic location: 16p13.3.
Variant type: single nucleotide variant.
Coding change: c.1891A>T on transcript NM_001287.6 (MANE Select); coding-DNA position 1891, A replaced by T.
Protein change: p.Met631Leu; replaces methionine 631 with leucine.
Molecular consequence: missense variant.
Genome position (GRCh38, 1-based): chr16:1,448,477, T>A on the plus strand (A>T on the coding strand, the complement: CLCN7 is on the minus strand). VCF-style: chr16-1448477-T-A. GRCh37 (hg19) VCF-style: chr16-1498478-T-A.
Other names: c.1819A>T, p.Met607Leu (NM_001114331.3); short protein forms M607L, M631L.
Identifiers: ClinVar variation 3619603 (VCV003619603.2).